The following is an entry in ClinVar:

NM_001197104.2(KMT2A):c.9368C>A (p.Ser3123Ter)

Gene: KMT2A (lysine methyltransferase 2A; plus strand). Cytogenetic location: 11q23.3.
Variant type: single nucleotide variant.
Coding change: c.9368C>A on transcript NM_001197104.2 (MANE Select); coding-DNA position 9368, C replaced by A.
Protein change: p.Ser3123Ter; replaces serine 3123 with a stop codon.
Molecular consequence: nonsense.
Genome position (GRCh38, 1-based): chr11:118,505,260, C>A. VCF-style: chr11-118505260-C-A. GRCh37 (hg19) VCF-style: chr11-118375975-C-A.
Other names: c.9458C>A, p.Ser3153Ter (NM_001412597.1); c.9359C>A, p.Ser3120Ter (NM_005933.4); short protein forms S3120*, S3123*, S3153*.
Identifiers: ClinVar variation 3345456 (VCV003345456.1).

ClinVar aggregate classification (germline): Likely pathogenic (0 of 4 stars; one submission).

Conditions:
KMT2A-related disorder. Also called: KMT2A-related condition.

Submission:

PreventionGenetics, part of Exact Sciences
Classification: Likely pathogenic for KMT2A-related condition. Last evaluated: 2024-08-24. Review status: no assertion criteria provided. Collection method: clinical testing. Allele origin: germline.
Comment: The KMT2A c.9368C>A variant is predicted to result in premature protein termination (p.Ser3123*). To our knowledge, this variant has not been reported in the literature or in a large population database, indicating this variant is rare. Nonsense variants in KMT2A are expected to be pathogenic. This variant is interpreted as likely pathogenic.